The following is an entry in ClinVar:

ClinVar aggregate classification (germline): Uncertain significance (1 of 4 stars; one submission).

Conditions:
Spastic paraplegia. Identifiers: MedGen C0037772, HP:0001258.

Allele frequency attached by ClinVar (database versions not stated): gnomAD exomes below 0.00001.
gnomAD v4.1: 2 of 1,614,090 alleles (0.00012%); highest among the groups gnomAD compares: East Asian, 0.0022%; no homozygotes.

Submission:

Labcorp Genetics (formerly Invitae), Labcorp
Classification: Uncertain significance for Spastic paraplegia. Last evaluated: 2022-08-05. Review status: criteria provided, single submitter. Criteria: Invitae Variant Classification Sherloc (09022015). Collection method: clinical testing. Allele origin: germline.
Comment: In summary, the available evidence is currently insufficient to determine the role of this variant in disease. Therefore, it has been classified as a Variant of Uncertain Significance. Algorithms developed to predict the effect of missense changes on protein structure and function are either unavailable or do not agree on the potential impact of this missense change (SIFT: "Deleterious"; PolyPhen-2: "Probably Damaging"; Align-GVGD: "Class C0"). This variant has not been reported in the literature in individuals affected with AP4E1-related conditions. This variant is present in population databases (no rsID available, gnomAD 0.003%). This sequence change replaces lysine, which is basic and polar, with arginine, which is basic and polar, at codon 763 of the AP4E1 protein (p.Lys763Arg).

NM_007347.5(AP4E1):c.2288A>G (p.Lys763Arg)

Gene: AP4E1 (adaptor related protein complex 4 subunit epsilon 1; plus strand). Cytogenetic location: 15q21.2.
Variant type: single nucleotide variant.
Coding change: c.2288A>G on transcript NM_007347.5 (MANE Select); coding-DNA position 2288, A replaced by G.
Protein change: p.Lys763Arg; replaces lysine 763 with arginine.
Molecular consequence: missense variant.
Genome position (GRCh38, 1-based): chr15:50,993,567, A>G. VCF-style: chr15-50993567-A-G. GRCh37 (hg19) VCF-style: chr15-51285764-A-G.
Other names: c.2063A>G, p.Lys688Arg (NM_001252127.2); short protein forms K763R, K688R.
Identifiers: ClinVar variation 2115567 (VCV002115567.4), dbSNP rs1368742032, ClinGen allele CA392419633.